The following is an entry in ClinVar:

ClinVar aggregate classification (germline): Uncertain significance. Review status: criteria provided, multiple submitters, no conflicts (2 of 4 stars). 2 submissions from 2 submitters: Uncertain significance (2). Last evaluated 2024-10-29.

Conditions:
Inborn genetic diseases. Identifiers: MedGen C0950123, MeSH D030342.

Allele frequency attached by ClinVar (database versions not stated): gnomAD 0.00002; TOPMed 0.00004.
gnomAD v4.1: 7 of 1,613,788 alleles (0.00043%); highest among the groups gnomAD compares: African/African-American, 0.0093%; no homozygotes.

Submissions (2):

Ambry Genetics
Classification: Uncertain significance for Inborn genetic diseases. Last evaluated: 2024-10-29. Review status: criteria provided, single submitter. Criteria: Ambry Variant Classification Scheme 2023. Collection method: clinical testing. Allele origin: germline.

Labcorp Genetics (formerly Invitae), Labcorp
Classification: Uncertain significance. Last evaluated: 2022-08-16. Review status: criteria provided, single submitter. Criteria: Invitae Variant Classification Sherloc (09022015). Collection method: clinical testing. Allele origin: germline.
Comment: In summary, the available evidence is currently insufficient to determine the role of this variant in disease. Therefore, it has been classified as a Variant of Uncertain Significance. Algorithms developed to predict the effect of missense changes on protein structure and function are either unavailable or do not agree on the potential impact of this missense change (SIFT: "Tolerated"; PolyPhen-2: "Possibly Damaging"; Align-GVGD: "Class C0"). This variant has not been reported in the literature in individuals affected with GRM7-related conditions. This variant is present in population databases (rs747312914, gnomAD 0.02%). This sequence change replaces lysine, which is basic and polar, with arginine, which is basic and polar, at codon 319 of the GRM7 protein (p.Lys319Arg).

NM_000844.4(GRM7):c.956A>G (p.Lys319Arg)

Gene: GRM7 (glutamate metabotropic receptor 7; plus strand). Cytogenetic location: 3p26.1.
Variant type: single nucleotide variant.
Coding change: c.956A>G on transcript NM_000844.4 (MANE Select); coding-DNA position 956, A replaced by G.
Protein change: p.Lys319Arg; replaces lysine 319 with arginine.
Molecular consequence: missense variant.
Genome position (GRCh38, 1-based): chr3:7,306,575, A>G. VCF-style: chr3-7306575-A-G. GRCh37 (hg19) VCF-style: chr3-7348262-A-G.
Other names: c.956A>G, p.Lys319Arg (NM_181874.3); c.956A>G (NM_000844.3); short protein forms K319R.
Identifiers: ClinVar variation 2414361 (VCV002414361.7), dbSNP rs747312914, ClinGen allele CA2234736.
Genomic context (GRCh38, chr3:7,306,575, plus strand): 5'-CCAAAAGAGCTGACCAAGTTGGCCATTTTCTTTGGGTGGGATCAGACAGCTGGGGATCCA[A>G]AATAAACCCACTGCACCAGCATGAAGATATCGCAGAAGGGGCCATCACCATTCAGCCCAA-3'
Protein context (NP_000835.1, residues 309-329): LWVGSDSWGS[Lys319Arg]INPLHQHEDI